The following is an entry in ClinVar:

ClinVar aggregate classification (germline): Uncertain significance. Review status: criteria provided, multiple submitters, no conflicts (2 of 4 stars). 3 submissions from 3 submitters: Uncertain significance (3). Last evaluated 2024-01-19.

Conditions:
Monogenic diabetes. Identifiers: Orphanet 183625, MedGen C3888631, MONDO:0015967.
Maturity-onset diabetes of the young (MODY). Also called: Maturity onset diabetes mellitus in young. Identifiers: Orphanet 552, MedGen C0342276, MONDO:0018911, HP:0004904.

Allele frequency attached by ClinVar (database versions not stated): TOPMed below 0.00001; gnomAD 0.00001; gnomAD exomes 0.00001.
gnomAD v4.1: 9 of 1,613,572 alleles (0.00056%); highest among the groups gnomAD compares: Non-Finnish European, 0.00076%; no homozygotes.

Submissions (3):

Labcorp Genetics (formerly Invitae), Labcorp
Classification: Uncertain significance. Last evaluated: 2024-01-19. Review status: criteria provided, single submitter. Criteria: Invitae Variant Classification Sherloc (09022015). Collection method: clinical testing. Allele origin: germline.
Comment: This sequence change replaces threonine, which is neutral and polar, with alanine, which is neutral and non-polar, at codon 544 of the HNF1B protein (p.Thr544Ala). This variant is not present in population databases (gnomAD no frequency). This variant has not been reported in the literature in individuals affected with HNF1B-related conditions. ClinVar contains an entry for this variant (Variation ID: 917406). Advanced modeling of protein sequence and biophysical properties (such as structural, functional, and spatial information, amino acid conservation, physicochemical variation, residue mobility, and thermodynamic stability) has been performed at Invitae for this missense variant, however the output from this modeling did not meet the statistical confidence thresholds required to predict the impact of this variant on HNF1B protein function. In summary, the available evidence is currently insufficient to determine the role of this variant in disease. Therefore, it has been classified as a Variant of Uncertain Significance.

Personalized Diabetes Medicine Program, University of Maryland School of Medicine
Classification: Uncertain significance for Monogenic diabetes. Last evaluated: 2017-11-10. Review status: criteria provided, single submitter. Criteria: ACMG Guidelines, 2015. Collection method: research. Allele origin: unknown. Observed: 1 variant allele, 1 heterozygote.
Comment: ACMG criteria: PP3 (6 predictors), BP4 (2 predictors), PM2=VUS

Clinical Genomics, Uppaluri K&H Personalized Medicine Clinic
Classification: Uncertain significance for Maturity-onset diabetes of the young. Review status: criteria provided, single submitter. Criteria: K & H Uppaluri Personalized Medicine Clinic Variant Classification & Assertion Criteria_Updated V.1. Collection method: research. Allele origin: unknown. Inheritance: Autosomal dominant inheritance.
Comment: HNF1B gene mutations are associated with early onset diabetes and pancreatic atrophy. It is also associated with multiple renal manifestations including renal cysts, Tubulointerstitial disease, glomerulocystic disease, renal hypoplasia, hypomagnesemia. However no sufficient evidence is found to ascertain the role of this particular variant rs1352906725, yet.

Literature cited by the submitters: PubMed 24897035 (cited by Clinical Genomics, Uppaluri K&H Personalized Medicine Clinic); PubMed 25536396 (cited by Clinical Genomics, Uppaluri K&H Personalized Medicine Clinic); PubMed 27615128 (cited by Clinical Genomics, Uppaluri K&H Personalized Medicine Clinic); PubMed 28215227 (cited by Clinical Genomics, Uppaluri K&H Personalized Medicine Clinic); PubMed 33434175 (cited by Clinical Genomics, Uppaluri K&H Personalized Medicine Clinic); PubMed 25741167 (cited by Clinical Genomics, Uppaluri K&H Personalized Medicine Clinic); PubMed 26340261 (cited by Clinical Genomics, Uppaluri K&H Personalized Medicine Clinic); PubMed 19639018 (cited by Clinical Genomics, Uppaluri K&H Personalized Medicine Clinic).

NM_000458.4(HNF1B):c.1630A>G (p.Thr544Ala)

Gene: HNF1B (HNF1 homeobox B; minus strand). Cytogenetic location: 17q12.
Variant type: single nucleotide variant.
Coding change: c.1630A>G on transcript NM_000458.4 (MANE Select); coding-DNA position 1630, A replaced by G.
Protein change: p.Thr544Ala; replaces threonine 544 with alanine.
Molecular consequence: missense variant. On other transcripts: intron variant (1).
Genome position (GRCh38, 1-based): chr17:37,699,099, T>C on the plus strand (A>G on the coding strand, the complement: HNF1B is on the minus strand). VCF-style: chr17-37699099-T-C. GRCh37 (hg19) VCF-style: chr17-36059105-T-C.
Other names: c.1552A>G, p.Thr518Ala (NM_001165923.4); c.1261+5818A>G (NM_001304286.2); short protein forms T518A, T544A.
Identifiers: ClinVar variation 917406 (VCV000917406.7), dbSNP rs1352906725, ClinGen allele CA398753457.